The following is an entry in ClinVar:

NM_030930.4(UNC93B1):c.641C>T (p.Ala214Val)

Gene: UNC93B1 (unc-93B1 regulator of TLR signaling; minus strand). Cytogenetic location: 11q13.2.
Variant type: single nucleotide variant.
Coding change: c.641C>T on transcript NM_030930.4 (MANE Select); coding-DNA position 641, C replaced by T.
Protein change: p.Ala214Val; replaces alanine 214 with valine.
Molecular consequence: missense variant.
Genome position (GRCh38, 1-based): chr11:67,999,219, G>A on the plus strand (C>T on the coding strand, the complement: UNC93B1 is on the minus strand). VCF-style: chr11-67999219-G-A. GRCh37 (hg19) VCF-style: chr11-67766689-G-A.
Other names: short protein forms A214V.
Identifiers: ClinVar variation 2143956 (VCV002143956.4), dbSNP rs374178199, ClinGen allele CA6145585.
Genomic context (GRCh38, chr11:67,999,219, plus strand): 5'-CACGTGGCACTCACATGGAAGAAGCTGTAGAAGATGGCTTGGAAGACCAGGAGATAGGGC[G>A]CGTGGGAGCCCCGCGGAGGCCGCTGCTTCATCCCCTGCCCATCCTGCTCCTTGTAGTGGG-3'
Protein context (NP_112192.2, residues 204-224): MKQRPPRGSH[Ala214Val]PYLLVFQAIF

ClinVar aggregate classification (germline): Uncertain significance. Review status: criteria provided, multiple submitters, no conflicts (2 of 4 stars). 2 submissions from 2 submitters: Uncertain significance (2). Last evaluated 2024-12-14.

Conditions:
Encephalopathy, acute, infection-induced (herpes-specific), susceptibility to, 1. Also called: Herpes simplex encephalitis, susceptibility to, 1. Identifiers: Orphanet 1930, MedGen C2750180, MONDO:0024563, OMIM 610551.

Allele frequency attached by ClinVar (database versions not stated): TOPMed 0.00001; gnomAD 0.00003; ESP Exome Variant Server 0.00008.
gnomAD v4.1: 53 of 1,613,258 alleles (0.0033%); highest among the groups gnomAD compares: East Asian, 0.0089%; no homozygotes.

Submissions (2):

Ambry Genetics
Classification: Uncertain significance. Last evaluated: 2024-12-14. Review status: criteria provided, single submitter. Criteria: Ambry Variant Classification Scheme 2023. Collection method: clinical testing. Allele origin: germline.

Labcorp Genetics (formerly Invitae), Labcorp
Classification: Uncertain significance for Encephalopathy, acute, infection-induced (herpes-specific), susceptibility to, 1. Last evaluated: 2022-06-26. Review status: criteria provided, single submitter. Criteria: Invitae Variant Classification Sherloc (09022015). Collection method: clinical testing. Allele origin: germline.
Comment: This sequence change replaces alanine, which is neutral and non-polar, with valine, which is neutral and non-polar, at codon 214 of the UNC93B1 protein (p.Ala214Val). In summary, the available evidence is currently insufficient to determine the role of this variant in disease. Therefore, it has been classified as a Variant of Uncertain Significance. Experimental studies and prediction algorithms are not available or were not evaluated, and the functional significance of this variant is currently unknown. This variant has not been reported in the literature in individuals affected with UNC93B1-related conditions. This variant is present in population databases (rs374178199, gnomAD 0.006%).